The following is an entry in ClinVar:

ClinVar aggregate classification (germline): Likely pathogenic (1 of 4 stars; one submission).

Conditions:
FITM2-related disorder. Also called: FITM2-related condition.

Submission:

PreventionGenetics, part of Exact Sciences
Classification: Likely pathogenic for FITM2-related condition. Last evaluated: 2025-08-19. Review status: criteria provided, single submitter. Criteria: ACMG Guidelines, 2015. Collection method: clinical testing. Allele origin: germline.
Comment: The FITM2 c.206delT variant is predicted to result in a frameshift and premature protein termination (p.Phe69Serfs*15). To our knowledge, this variant has not been reported in the literature. This variant is reported in 0.012% of alleles in individuals of African descent in gnomAD. Frameshift variants in FITM2 are expected to be pathogenic. This variant is interpreted as likely pathogenic.

NM_001080472.4(FITM2):c.206del (p.Phe69fs)

Gene: FITM2 (fat storage inducing transmembrane protein 2; minus strand). Cytogenetic location: 20q13.12.
Variant type: Deletion.
Coding change: c.206del on transcript NM_001080472.4 (MANE Select); coding-DNA position 206, one base deleted (T; older notation c.206delT).
Protein change: p.Phe69fs; shifts the reading frame from phenylalanine 69.
Molecular consequence: frameshift variant.
Genome position (GRCh38, 1-based): chr20:44,307,208, A deleted on the plus strand (T on the coding strand, the reverse complement: FITM2 is on the minus strand); the first of 2 consecutive A bases (chr20:44,307,208-44,307,209); deleting either gives the same sequence. VCF-style (leftmost placement, unchanged base first): chr20-44307207-GA-G. GRCh37 (hg19) VCF-style: chr20-42935847-GA-G.
Other names: short protein forms F69fs.
Identifiers: ClinVar variation 4984757 (VCV004984757.1).
Genomic context (GRCh38, chr20:44,307,207, plus strand): 5'-CAAGCCAGCCTTGCCGGTCAGATGGTAGTTGGTGAGGGCAATGAAAGGCAGAAGGAGACA[GA>G]ACGTCCAGGCCCAGGCCACTTTGACAAAATACCTGACAGAGGAGGAAAGTGGAAGTGAAG-3'